The following is an entry in ClinVar:

ClinVar aggregate classification (germline): Benign. Review status: criteria provided, single submitter (1 of 4 stars). 2 submissions from 2 submitters: Benign (1). 1 of the submissions does not count toward it. Last evaluated 2017-11-30.

Conditions:
CELSR1-related disorder. Also called: CELSR1-related condition.

Submissions (2):

Labcorp Genetics (formerly Invitae), Labcorp
Classification: Benign. Last evaluated: 2017-11-30. Review status: criteria provided, single submitter. Criteria: Invitae Variant Classification Sherloc (09022015). Collection method: clinical testing. Allele origin: germline.

PreventionGenetics, part of Exact Sciences
Classification: Benign for CELSR1-related condition. Last evaluated: 2019-09-26. Review status: no assertion criteria provided. Collection method: clinical testing. Allele origin: germline. Not counted in ClinVar's aggregate classification.
Comment: This variant is classified as benign based on ACMG/AMP sequence variant interpretation guidelines (Richards et al. 2015 PMID: 25741868, with internal and published modifications).

NM_001378328.1(CELSR1):c.8886_8897del (p.Arg2965_Ser2968del)

Gene: CELSR1 (cadherin EGF LAG seven-pass G-type receptor 1; minus strand). Cytogenetic location: 22q13.31.
Variant type: Deletion.
Coding change: c.8886_8897del on transcript NM_001378328.1 (MANE Select); coding-DNA positions 8886 to 8897, 12 bases deleted (ATCCTCGCGCAC).
Protein change: p.Arg2965_Ser2968del.
Molecular consequence: inframe deletion.
Genome position (GRCh38, 1-based): chr22:46,364,134-46,364,145, GTGCGCGAGGAT deleted on the plus strand (ATCCTCGCGCAC on the coding strand, the reverse complement: CELSR1 is on the minus strand); deleting any 12 consecutive bases within chr22:46,364,134-46,364,148 gives the same sequence; the c. name uses the placement nearest the transcript's 3' end. VCF-style (leftmost placement, unchanged base first): chr22-46364133-CGTGCGCGAGGAT-C. GRCh37 (hg19) VCF-style: chr22-46760030-CGTGCGCGAGGAT-C.
Other names: c.8886_8897del, p.Arg2965_Ser2968del (NM_014246.4); c.8886_8897del12 (NM_014246.1).
Identifiers: ClinVar variation 716653 (VCV000716653.5), dbSNP rs375307146, ClinGen allele CA10292582.